The following is an entry in ClinVar:

NM_004817.4(TJP2):c.1258C>T (p.Arg420Cys)

Gene: TJP2 (tight junction protein 2; plus strand). Cytogenetic location: 9q21.11.
Variant type: single nucleotide variant.
Coding change: c.1258C>T on transcript NM_004817.4 (MANE Select); coding-DNA position 1258, C replaced by T.
Protein change: p.Arg420Cys; replaces arginine 420 with cysteine.
Molecular consequence: missense variant.
Genome position (GRCh38, 1-based): chr9:69,227,812, C>T. VCF-style: chr9-69227812-C-T. GRCh37 (hg19) VCF-style: chr9-71842728-C-T.
Other names: c.1189C>T, p.Arg397Cys (NM_001170414.2, NM_001369870.1, NM_001369871.1); c.1270C>T, p.Arg424Cys (NM_001170415.1, NM_001369874.1, NM_001369875.1); c.1351C>T, p.Arg451Cys (NM_001170416.2); c.1258C>T, p.Arg420Cys (NM_001369872.1, NM_001369873.1, NM_201629.3); c.1258C>T (NM_004817.3); short protein forms R397C, R420C, R451C, R424C.
Identifiers: ClinVar variation 178543 (VCV000178543.27), dbSNP rs199761505, ClinGen allele CA182528.

ClinVar aggregate classification (germline): Conflicting classifications of pathogenicity. Review status: criteria provided, conflicting classifications (1 of 4 stars). 7 submissions from 7 submitters: Uncertain significance (5); Likely benign (1). 1 of the submissions does not count toward it. Last evaluated 2025-12-30.

Conditions:
TJP2-related disorder. Also called: TJP2-related condition.
Hypercholanemia, familial 1 (FHCA1). Identifiers: Orphanet 238475, MedGen C5542604, MONDO:0031446, OMIM 607748.
Cholestasis, progressive familial intrahepatic, 4. Identifiers: Orphanet 480483, Orphanet 79304, MedGen C2931067, MONDO:0014381, OMIM 615878.

Allele frequency attached by ClinVar (database versions not stated): 1000 Genomes Project 30x 0.00016; 1000 Genomes Project 0.00020; gnomAD exomes 0.00020 and 0.00043; ESP Exome Variant Server 0.00023; gnomAD 0.00034; TOPMed 0.00040; ExAC 0.00041.
gnomAD v4.1: 351 of 1,613,784 alleles (0.022%); highest among the groups gnomAD compares: South Asian, 0.18%; 3 homozygotes.

Submissions (7):

GeneDx
Classification: Uncertain significance. Last evaluated: 2025-12-30. Review status: criteria provided, single submitter. Criteria: GeneDx Variant Classification Process June 2021. Collection method: clinical testing. Allele origin: germline. Affected: yes.
Comment: Identified in a patient with gallstone disease in published literature, reported as p.(R178C) using alternate nomenclature, however, additional information about genotype and phenotype was not available (PMID: 37208429); In silico analysis supports that this missense variant has a deleterious effect on protein structure/function; This variant is associated with the following publications: (PMID: 37208429)

CeGaT Center for Human Genetics Tuebingen
Classification: Likely benign. Last evaluated: 2025-02-01. Review status: criteria provided, single submitter. Criteria: CeGaT Center For Human Genetics Tuebingen Variant Classification Criteria Version 2. Collection method: clinical testing. Allele origin: germline. Affected: yes. Observed: 1 variant allele.
Comment: TJP2: BP4

Revvity Omics, Revvity
Classification: Uncertain significance. Last evaluated: 2023-04-18. Review status: criteria provided, single submitter. Criteria: ACMG Guidelines, 2015. Collection method: clinical testing. Allele origin: germline.

Fulgent Genetics
Classification: Uncertain significance for Hypercholanemia, familial 1; Cholestasis, progressive familial intrahepatic, 4. Last evaluated: 2018-10-31. Review status: criteria provided, single submitter. Criteria: ACMG Guidelines, 2015. Collection method: clinical testing. Allele origin: unknown.

Laboratory for Molecular Medicine, Mass General Brigham Personalized Medicine
Classification: Uncertain significance. Last evaluated: 2014-05-01. Review status: criteria provided, single submitter. Criteria: LMM Criteria. Collection method: clinical testing. Allele origin: germline. Observed: 1 variant allele.
Comment: Variant classified as Uncertain Significance - Favor Benign. The Arg397Cys varia nt in TJP2 has not been previously reported in individuals with hearing loss, bu t has been identified in 0.04% (3/8600) of European American chromosomes by the NHLBI Exome Sequencing Project (dbSNP rs19976 1505). Arg397 is not conserved in mammals and across evolutionary distant specie s, supporting that a change at this position may be tolerated. Additional comput ational prediction tools do not provide strong support for or against an impact to the protein. In summary, the clinical significance of this variant cannot be determined with certainty; however based upon the conservation data, we would le an towards a more likely benign role.

Breakthrough Genomics
Classification: Uncertain significance. Review status: criteria provided, single submitter. Criteria: ACMG Guidelines, 2015. Collection method: not provided. Allele origin: germline. Inheritance: Autosomal recessive inheritance. Affected: yes.

PreventionGenetics, part of Exact Sciences
Classification: Likely benign for TJP2-related condition. Last evaluated: 2024-02-08. Review status: no assertion criteria provided. Collection method: clinical testing. Allele origin: germline. Not counted in ClinVar's aggregate classification.
Comment: This variant is classified as likely benign based on ACMG/AMP sequence variant interpretation guidelines (Richards et al. 2015 PMID: 25741868, with internal and published modifications).